The following is an entry in ClinVar:

NM_000135.4(FANCA):c.4246_4247delinsCT (p.Ser1416Leu)

Genes: FANCA (FA complementation group A; minus strand), ZNF276 (zinc finger protein 276; plus strand). Cytogenetic location: 16q24.3.
Variant type: Indel.
Coding change: c.4246_4247delinsCT on transcript NM_000135.4 (MANE Select); coding-DNA positions 4246 to 4247, TC replaced by CT.
Protein change: p.Ser1416Leu; replaces serine 1416 with leucine.
Molecular consequence: missense variant. On other transcripts: 3 prime UTR variant (2), non-coding transcript variant (4).
Genome position (GRCh38, 1-based): chr16:89,738,895-89,738,896, GA replaced by AG on the plus strand (TC replaced by CT on the coding strand, the reverse complement: FANCA is on the minus strand). VCF-style: chr16-89738895-GA-AG. GRCh37 (hg19) VCF-style: chr16-89805303-GA-AG.
Other names: c.4250_4251delinsCT, p.Leu1417Pro (NM_001286167.3); c.*649_*650delinsAG (NM_001113525.2, NM_152287.4); short protein forms S1416L, L1417P.
Identifiers: ClinVar variation 5004568 (VCV005004568.1).
Genomic context (GRCh38, chr16:89,738,895, plus strand): 5'-AATTCTCATGTCCCCCACATGGCCCAAGGTGGGCATCTTGACGTTACCTCTGCCACGTGT[GA>AG]GAAGCTCTTTTTCGGGCACCGAGGTATTAACTGCAGCAGAAAAAGACGAGCTTTTGTTAT-3'
Protein context (NP_000126.2, residues 1406-1426): LIPRCPKKSF[Ser1416Leu]HVAELLADRG

ClinVar aggregate classification (germline): Uncertain significance (1 of 4 stars; one submission).

Conditions:
Fanconi anemia complementation group A (FANCA). Also called: FANCA-Related Fanconi Anemia; Fanconi anemia, group A. Identifiers: Orphanet 84, MedGen C3469521, MONDO:0009215, OMIM 227650.

Submission:

Myriad Genetics, Inc.
Classification: Uncertain significance for Fanconi anemia complementation group A. Last evaluated: 2026-04-02. Review status: criteria provided, single submitter. Criteria: Myriad Autosomal Dominant, Autosomal Recessive and X-Linked Classification Criteria (2023). Collection method: clinical testing. Allele origin: unknown.
Comment: NM_000135.2(FANCA):c.4246_4247delTCinsCT(S1416L) is a missense variant classified as a variant of uncertain significance in the context of Fanconi anemia complementation group A. S1416L has not been observed in cases with relevant disease. Relevant functional assessments of this variant are not available in the literature. S1416L has not been observed in referenced population frequency databases. In summary, there is insufficient evidence to classify NM_000135.2(FANCA):c.4246_4247delTCinsCT(S1416L) as pathogenic or benign. Please note: this variant was assessed in the context of healthy population screening.